The following is an entry in ClinVar:

NM_006892.4(DNMT3B):c.365G>A (p.Arg122His)

Gene: DNMT3B (DNA methyltransferase 3 beta; plus strand). Cytogenetic location: 20q11.21.
Variant type: single nucleotide variant.
Coding change: c.365G>A on transcript NM_006892.4 (MANE Select); coding-DNA position 365, G replaced by A.
Protein change: p.Arg122His; replaces arginine 122 with histidine.
Molecular consequence: missense variant. On other transcripts: intron variant (2).
Genome position (GRCh38, 1-based): chr20:32,786,560, G>A. VCF-style: chr20-32786560-G-A. GRCh37 (hg19) VCF-style: chr20-31374366-G-A.
Other names: c.365G>A, p.Arg122His (NM_175848.2, NM_175849.2); c.401G>A, p.Arg134His (NM_175850.3); c.307-670G>A (NM_001207055.2); c.205-670G>A (NM_001207056.2); short protein forms R122H, R134H.
Identifiers: ClinVar variation 967758 (VCV000967758.7), dbSNP rs757657111, ClinGen allele CA9810167.

ClinVar aggregate classification (germline): Uncertain significance. Review status: criteria provided, multiple submitters, no conflicts (2 of 4 stars). 2 submissions from 2 submitters: Uncertain significance (2). Last evaluated 2024-01-04.

Conditions:
Inborn genetic diseases. Identifiers: MedGen C0950123, MeSH D030342.
Centromeric instability of chromosomes 1,9 and 16 and immunodeficiency (ICF1). Also called: IMMUNE DEFICIENCY, VARIABLE, WITH CENTROMERIC INSTABILITY OF CHROMOSOMES 1, 9, AND 16; IMMUNODEFICIENCY SYNDROME, VARIABLE; Immunodeficiency-centromeric instability-facial anomalies; CENTROMERIC INSTABILITY, IMMUNODEFICIENCY SYNDROME. Identifiers: Orphanet 2268, MedGen C0398788, MONDO:0000133.

Allele frequency attached by ClinVar (database versions not stated): gnomAD exomes 0.00001 and 0.00004; ExAC 0.00004; TOPMed 0.00015.
gnomAD v4.1: 45 of 1,613,830 alleles (0.0028%); highest among the groups gnomAD compares: African/African-American, 0.048%; no homozygotes.

Submissions (2):

Ambry Genetics
Classification: Uncertain significance for Inborn genetic diseases. Last evaluated: 2024-01-04. Review status: criteria provided, single submitter. Criteria: Ambry Variant Classification Scheme 2023. Collection method: clinical testing. Allele origin: germline.

Labcorp Genetics (formerly Invitae), Labcorp
Classification: Uncertain significance for Centromeric instability of chromosomes 1,9 and 16 and immunodeficiency. Last evaluated: 2021-09-01. Review status: criteria provided, single submitter. Criteria: Invitae Variant Classification Sherloc (09022015). Collection method: clinical testing. Allele origin: germline.
Comment: This sequence change replaces arginine with histidine at codon 122 of the DNMT3B protein (p.Arg122His). The arginine residue is highly conserved and there is a small physicochemical difference between arginine and histidine. This variant is present in population databases (rs757657111, ExAC 0.02%). This variant has not been reported in the literature in individuals affected with DNMT3B-related conditions. Algorithms developed to predict the effect of missense changes on protein structure and function are either unavailable or do not agree on the potential impact of this missense change (SIFT: "Deleterious"; PolyPhen-2: "Probably Damaging"; Align-GVGD: "Class C0"). In summary, the available evidence is currently insufficient to determine the role of this variant in disease. Therefore, it has been classified as a Variant of Uncertain Significance.